The following is an entry in ClinVar:

NM_000019.4(ACAT1):c.170del (p.Gly57fs)

Gene: ACAT1 (acetyl-CoA acetyltransferase 1; plus strand). Cytogenetic location: 11q22.3.
Variant type: Deletion.
Coding change: c.170del on transcript NM_000019.4 (MANE Select); coding-DNA position 170, one base deleted (G; older notation c.170delG).
Protein change: p.Gly57fs; shifts the reading frame from glycine 57.
Molecular consequence: frameshift variant. On other transcripts: non-coding transcript variant (2), intron variant (1), 5 prime UTR variant (10).
Genome position (GRCh38, 1-based): chr11:108,133,869, G deleted; the last of 2 consecutive G bases (chr11:108,133,868-108,133,869); deleting either gives the same sequence. VCF-style (leftmost placement, unchanged base first): chr11-108133867-AG-A. GRCh37 (hg19) VCF-style: chr11-108004594-AG-A.
Other names: c.120+1915del (NM_001386678.1); c.170del, p.Gly57fs (NM_001386677.1); c.-108del (NM_001386679.1); c.-101del (NM_001386681.1, NM_001386682.1, NM_001386685.1 and 6 more transcripts); short protein forms G57fs.
Identifiers: ClinVar variation 2011809 (VCV002011809.4), dbSNP rs2496581445, ClinGen allele CA2580082943.
Genomic context (GRCh38, chr11:108,133,867, plus strand): 5'-TGTGTCTTGCCAGGAAGTGGTCATAGTAAGTGCTACAAGAACACCCATTGGATCTTTTTT[AG>A]GCAGCCTTTCCTTGCTGCCAGCCACTAAGCTTGGTTCCATTGCAATTCAGGGAGCCATTG-3'

ClinVar aggregate classification (germline): Pathogenic (1 of 4 stars; one submission).

Conditions:
Deficiency of acetyl-CoA acetyltransferase. Also called: Beta-ketothiolase deficiency; 3-KETOTHIOLASE DEFICIENCY; 3-OXOTHIOLASE DEFICIENCY; MITOCHONDRIAL ACETOACETYL-CoA THIOLASE DEFICIENCY. Identifiers: Orphanet 134, MedGen C1536500, MONDO:0008760, OMIM 203750. Disease mechanism: loss of function.

Submission:

Labcorp Genetics (formerly Invitae), Labcorp
Classification: Pathogenic for Deficiency of acetyl-CoA acetyltransferase. Last evaluated: 2022-07-04. Review status: criteria provided, single submitter. Criteria: Invitae Variant Classification Sherloc (09022015). Collection method: clinical testing. Allele origin: germline.
Comment: This sequence change creates a premature translational stop signal (p.Gly57Alafs*30) in the ACAT1 gene. It is expected to result in an absent or disrupted protein product. Loss-of-function variants in ACAT1 are known to be pathogenic (PMID: 7749408). This variant is not present in population databases (gnomAD no frequency). This variant has not been reported in the literature in individuals affected with ACAT1-related conditions. For these reasons, this variant has been classified as Pathogenic.

Literature cited by the submitters: PubMed 7749408.